The following is an entry in ClinVar:

ClinVar aggregate classification (germline): Likely benign. Review status: criteria provided, multiple submitters, no conflicts (2 of 4 stars). 3 submissions from 3 submitters: Likely benign (3). Last evaluated 2026-07-01.

Allele frequency attached by ClinVar (database versions not stated): ExAC 0.00052; gnomAD 0.00159 and 0.00165; TOPMed 0.00192; 1000 Genomes Project 0.00200; 1000 Genomes Project 30x 0.00234; gnomAD exomes 0.00013 and 0.00028.

Submissions (3):

CeGaT Center for Human Genetics Tuebingen
Classification: Likely benign. Last evaluated: 2026-07-01. Review status: criteria provided, single submitter. Criteria: CeGaT Center For Human Genetics Tuebingen Variant Classification Criteria Version 2. Collection method: clinical testing. Allele origin: germline. Affected: yes. Observed: 2 variant alleles.
Comment: SOX11: BP4, BP7

Labcorp Genetics (formerly Invitae), Labcorp
Classification: Likely benign. Last evaluated: 2026-01-21. Review status: criteria provided, single submitter. Criteria: Invitae Variant Classification Sherloc (09022015). Collection method: clinical testing. Allele origin: germline.

Breakthrough Genomics
Classification: Likely benign. Review status: criteria provided, single submitter. Criteria: ACMG Guidelines, 2015. Collection method: not provided. Allele origin: germline. Inheritance: Autosomal dominant inheritance. Affected: yes.

NM_003108.4(SOX11):c.1174C>T (p.Leu392=)

Gene: SOX11 (SRY-box transcription factor 11; plus strand). Cytogenetic location: 2p25.2.
Variant type: single nucleotide variant.
Coding change: c.1174C>T on transcript NM_003108.4 (MANE Select); coding-DNA position 1174, C replaced by T.
Protein change: p.Leu392=; no amino-acid change (leucine 392 retained).
Molecular consequence: synonymous variant.
Genome position (GRCh38, 1-based): chr2:5,693,895, C>T. VCF-style: chr2-5693895-C-T. GRCh37 (hg19) VCF-style: chr2-5834027-C-T.
Identifiers: ClinVar variation 789963 (VCV000789963.12), dbSNP rs74756846, ClinGen allele CA1517997.
Genomic context (GRCh38, chr2:5,693,895, plus strand): 5'-AGCGCGCACAGCGCCAGCGAGCAGCAGCTGGGGGGCGGCGCGGCGGCCGGGAACCTGTCC[C>T]TGTCGCTGGTGGATAAGGATTTGGATTCGTTCAGCGAGGGCAGCCTGGGCTCCCACTTCG-3'
Protein context (NP_003099.1, residues 382-402): GGGAAAGNLS[Leu392=]SLVDKDLDSF